The following is an entry in ClinVar:

ClinVar aggregate classification (germline): Pathogenic/Likely pathogenic. Review status: criteria provided, multiple submitters, no conflicts (2 of 4 stars). 3 submissions from 3 submitters: Pathogenic (2); Likely pathogenic (1). Last evaluated 2026-01-10.

Conditions:
Hereditary cancer-predisposing syndrome. Also called: Tumor predisposition; Hereditary Cancer Syndrome; Neoplastic Syndromes, Hereditary; Hereditary neoplastic syndrome. Identifiers: Orphanet 140162, MedGen C0027672, MeSH D009386, MONDO:0015356.
Familial adenomatous polyposis 2. Also called: MYH-associated polyposis; FAP type 2; ADENOMAS, MULTIPLE COLORECTAL, AUTOSOMAL RECESSIVE; MUTYH Polyposis; MUTYH-associated polyposis; MUTYH-related attenuated familial adenomatous polyposis. Identifiers: Orphanet 220460, Orphanet 247798, MedGen C3272841, MONDO:0012041, OMIM 608456.

Allele frequency attached by ClinVar (database versions not stated): gnomAD 0.00001; TOPMed 0.00001.
gnomAD v4.1: 2 of 1,614,088 alleles (0.00012%); highest among the groups gnomAD compares: African/African-American, 0.0027%; no homozygotes.

Submissions (3):

Labcorp Genetics (formerly Invitae), Labcorp
Classification: Pathogenic for Familial adenomatous polyposis 2. Last evaluated: 2026-01-10. Review status: criteria provided, single submitter. Criteria: Invitae Variant Classification Sherloc (09022015). Collection method: clinical testing. Allele origin: germline.
Comment: This sequence change creates a premature translational stop signal (p.Lys492*) in the MUTYH gene. It is expected to result in an absent or disrupted protein product. Loss-of-function variants in MUTYH are known to be pathogenic (PMID: 18534194, 20663686). This variant is not present in population databases (gnomAD no frequency). This variant has not been reported in the literature in individuals affected with MUTYH-related conditions. ClinVar contains an entry for this variant (Variation ID: 216081). Algorithms developed to predict the effect of sequence changes on RNA splicing suggest that this variant may disrupt the consensus splice site. For these reasons, this variant has been classified as Pathogenic.

Ambry Genetics
Classification: Likely pathogenic for Hereditary cancer-predisposing syndrome. Last evaluated: 2024-11-12. Review status: criteria provided, single submitter. Criteria: Ambry Variant Classification Scheme 2023. Collection method: clinical testing. Allele origin: germline.
Comment: The c.1474A>T variant (also known as p.K492*), located in coding exon 14 of the MUTYH gene, results from an A to T substitution at nucleotide position 1474. This changes the amino acid from a lysine to a stop codon within coding exon 14. This nucleotide position is highly conserved in available vertebrate species. In silico splice site analysis predicts that this alteration will weaken the native splice donor site. RNA studies have demonstrated that this alteration results in abnormal splicing in the set of samples tested (Ambry internal data). This variant is considered to be rare based on population cohorts in the Genome Aggregation Database (gnomAD). Based on the majority of available evidence to date, this variant is likely to be pathogenic.

Color Diagnostics, LLC DBA Color Health
Classification: Pathogenic for Hereditary cancer-predisposing syndrome. Last evaluated: 2020-01-15. Review status: criteria provided, single submitter. Criteria: ACMG Guidelines, 2015. Collection method: clinical testing. Allele origin: germline.
Comment: This variant is located in the MUTYH protein. Splice site prediction tools suggest that this variant may not impact RNA splicing. This variant has not been identified in the general population by the Genome Aggregation Database (gnomAD). Loss of MUTYH function is a known mechanism of disease. Based on the available evidence, this variant is classified as Pathogenic.

Literature cited by the submitters: PubMed 18534194 (cited by Labcorp Genetics (formerly Invitae), Labcorp); PubMed 20663686 (cited by Labcorp Genetics (formerly Invitae), Labcorp); PubMed 11805113 (cited by Ambry Genetics).

NM_001048174.2(MUTYH):c.1390A>T (p.Lys464Ter)

Gene: MUTYH (mutY DNA glycosylase; minus strand). Cytogenetic location: 1p34.1.
Variant type: single nucleotide variant.
Coding change: c.1390A>T on transcript NM_001048174.2 (MANE Select); coding-DNA position 1390, A replaced by T.
Protein change: p.Lys464Ter; replaces lysine 464 with a stop codon.
Molecular consequence: nonsense. On other transcripts: non-coding transcript variant (2).
Genome position (GRCh38, 1-based): chr1:45,331,184, T>A on the plus strand (A>T on the coding strand, the complement: MUTYH is on the minus strand). VCF-style: chr1-45331184-T-A. GRCh37 (hg19) VCF-style: chr1-45796856-T-A.
Other names: c.1390A>T, p.Lys464Ter (NM_001048171.2, NM_001048173.2, NM_001293195.2); c.1393A>T, p.Lys465Ter (NM_001048172.2); c.1474A>T, p.Lys492Ter (NM_001128425.2); c.1435A>T, p.Lys479Ter (NM_001293190.2); c.1423A>T, p.Lys475Ter (NM_001293191.2); c.1114A>T, p.Lys372Ter (NM_001293192.2, NM_001293196.2); c.1045A>T, p.Lys349Ter (NM_001350650.2, NM_001350651.2); c.1465A>T, p.Lys489Ter (NM_012222.3); short protein forms K492*, K464*, K489*, K349*, K479*, K372*, K465*, K475*.
Identifiers: ClinVar variation 216081 (VCV000216081.15), dbSNP rs863224502, ClinGen allele CA338021.